The following is an entry in ClinVar:

NM_177438.3(DICER1):c.248A>G (p.Tyr83Cys)

Gene: DICER1 (dicer 1, ribonuclease III; minus strand). Cytogenetic location: 14q32.13.
Variant type: single nucleotide variant.
Coding change: c.248A>G on transcript NM_177438.3 (MANE Select); coding-DNA position 248, A replaced by G.
Protein change: p.Tyr83Cys; replaces tyrosine 83 with cysteine.
Molecular consequence: missense variant.
Genome position (GRCh38, 1-based): chr14:95,132,574, T>C on the plus strand (A>G on the coding strand, the complement: DICER1 is on the minus strand). VCF-style: chr14-95132574-T-C. GRCh37 (hg19) VCF-style: chr14-95598911-T-C.
Other names: c.248A>G, p.Tyr83Cys (NM_001195573.1, NM_001271282.3, NM_001291628.2 and 1 more transcripts); short protein forms Y83C.
Identifiers: ClinVar variation 242064 (VCV000242064.25), dbSNP rs373646414, ClinGen allele CA7331707.

ClinVar aggregate classification (germline): Conflicting classifications of pathogenicity. Review status: criteria provided, conflicting classifications (1 of 4 stars). 11 submissions from 11 submitters: Uncertain significance (10); Likely benign (1). Last evaluated 2026-01-19.

Conditions:
Pleuropulmonary blastoma (PPB). Identifiers: Orphanet 64742, MedGen C1266144, MONDO:0011014, OMIM 601200, HP:0100528.
Rhabdomyosarcoma, embryonal, 2 (RMSE2). Identifiers: MedGen C1867234, MONDO:0859046, OMIM 180295.
Euthyroid goiter (MNG1). Also called: GOITER, NONTOXIC, WITH INTRATHYROIDAL CALCIFICATION; MULTINODULAR GOITER, ADOLESCENT; SIMPLE GOITER; Goiter, multinodular 1, with or without Sertoli-Leydig cell tumors. Identifiers: Orphanet 276399, MedGen C0302859, MONDO:0007681, OMIM 138800, HP:0009798.
Global developmental delay - lung cysts - overgrowth - Wilms tumor syndrome. Also called: GLOW Syndrome; GLOBAL DEVELOPMENTAL DELAY, LUNG CYSTS, OVERGROWTH, AND WILMS TUMOR. Identifiers: Orphanet 404476, MedGen C4748924, MONDO:0018445, OMIM 618272.
DICER1-related disorder. Also called: DICER1-related condition.
DICER1-related tumor predisposition. Also called: DICER1 syndrome; DICER1-related pleuropulmonary blastoma cancer predisposition syndrome. Identifiers: Orphanet 284343, MedGen C3839822, MONDO:0100216.
Hereditary cancer-predisposing syndrome. Also called: Neoplastic Syndromes, Hereditary; Hereditary neoplastic syndrome; Hereditary Cancer Syndrome; Tumor predisposition. Identifiers: Orphanet 140162, MedGen C0027672, MeSH D009386, MONDO:0015356.

Allele frequency attached by ClinVar (database versions not stated): gnomAD exomes 0.00002 and 0.00004; ExAC 0.00003; gnomAD 0.00005 and 0.00006; TOPMed 0.00005; ESP Exome Variant Server 0.00015.
gnomAD v4.1: 71 of 1,613,902 alleles (0.0044%); highest among the groups gnomAD compares: Middle Eastern, 0.033%; no homozygotes.

Submissions (11):

Labcorp Genetics (formerly Invitae), Labcorp
Classification: Likely benign for DICER1-related tumor predisposition. Last evaluated: 2026-01-19. Review status: criteria provided, single submitter. Criteria: Invitae Variant Classification Sherloc (09022015). Collection method: clinical testing. Allele origin: germline.

PreventionGenetics, part of Exact Sciences
Classification: Uncertain significance for DICER1-related condition. Last evaluated: 2025-09-29. Review status: criteria provided, single submitter. Criteria: ACMG Guidelines, 2015. Collection method: clinical testing. Allele origin: germline.
Comment: The DICER1 c.248A>G variant is predicted to result in the amino acid substitution p.Tyr83Cys. To our knowledge, this variant has not been reported in the literature. This variant is reported in 0.0080% of alleles in individuals of African descent in gnomAD and has conflicting interpretations of pathogenicity in ClinVar of uncertain significance and likely benign (Variation ID: 242064). At this time, the clinical significance of this variant is uncertain due to the absence of conclusive functional and genetic evidence.

Ambry Genetics
Classification: Uncertain significance for Hereditary cancer-predisposing syndrome. Last evaluated: 2024-10-14. Review status: criteria provided, single submitter. Criteria: Ambry Variant Classification Scheme 2023. Collection method: clinical testing. Allele origin: germline.
Comment: The p.Y83C variant (also known as c.248A>G), located in coding exon 2 of the DICER1 gene, results from an A to G substitution at nucleotide position 248. The tyrosine at codon 83 is replaced by cysteine, an amino acid with highly dissimilar properties. This amino acid position is not well conserved in available vertebrate species. In addition, this alteration is predicted to be tolerated by in silico analysis. Based on the available evidence, the clinical significance of this variant remains unclear.

Fulgent Genetics
Classification: Uncertain significance for Euthyroid goiter; Rhabdomyosarcoma, embryonal, 2; Pleuropulmonary blastoma; Global developmental delay - lung cysts - overgrowth - Wilms tumor syndrome. Last evaluated: 2024-03-12. Review status: criteria provided, single submitter. Criteria: ACMG Guidelines, 2015. Collection method: clinical testing. Allele origin: germline.

GeneDx
Classification: Uncertain significance. Last evaluated: 2024-03-08. Review status: criteria provided, single submitter. Criteria: GeneDx Variant Classification Process June 2021. Collection method: clinical testing. Allele origin: germline. Affected: yes.
Comment: In silico analysis supports that this missense variant does not alter protein structure/function; Observed in a patient suspected of having hereditary breast and ovarian cancer (HBOC) syndrome (PMID: 38136308); This variant is associated with the following publications: (PMID: 28748527, 38136308)

Baylor Genetics
Classification: Uncertain significance for Global developmental delay - lung cysts - overgrowth - Wilms tumor syndrome. Last evaluated: 2023-10-11. Review status: criteria provided, single submitter. Criteria: ACMG Guidelines, 2015. Collection method: clinical testing. Allele origin: unknown.

Quest Diagnostics Nichols Institute San Juan Capistrano
Classification: Uncertain significance. Last evaluated: 2023-06-23. Review status: criteria provided, single submitter. Criteria: Quest Diagnostics criteria. Collection method: clinical testing. Allele origin: unknown.
Comment: To the best of our knowledge, this variant has not been reported in the published literature. The frequency of this variant in the general population, 0.000031 (4/129126 chromosomes (Genome Aggregation Database)), is uninformative in the assessment of its pathogenicity. Analysis of this variant using bioinformatics tools for the prediction of the effect of amino acid changes on protein structure and function yielded conflicting predictions that this variant is benign or damaging. Based on the available information, we are unable to determine the clinical significance of this variant.

Blueprint Genetics
Classification: Uncertain significance. Last evaluated: 2023-03-28. Review status: criteria provided, single submitter. Criteria: ACMG Guidelines, 2015. Collection method: clinical testing. Allele origin: germline.

St. Jude Molecular Pathology, St. Jude Children's Research Hospital
Classification: Uncertain significance for Pleuropulmonary blastoma. Last evaluated: 2022-09-21. Review status: criteria provided, single submitter. Criteria: St. Jude Assertion Criteria 2020. Collection method: clinical testing. Allele origin: germline.
Comment: The DICER1 c.248A>G (p.Tyr83Cys) missense change has a maximum subpopulation frequency of 0.0080% in gnomAD non-cancer v2.1.1. The in silico tool REVEL predicts a benign effect on protein function and no splicing effects are predicted, but to our knowledge these predictions have not been confirmed by functional studies. To our knowledge, this variant has not been reported in individuals with DICER1-associated tumors. In summary, the evidence currently available is insufficient to determine the clinical significance of this variant. It has therefore been classified as of uncertain significance.

Institute for Clinical Genetics, University Hospital TU Dresden, University Hospital TU Dresden
Classification: Uncertain significance. Last evaluated: 2021-11-03. Review status: criteria provided, single submitter. Criteria: ACMG Guidelines, 2015. Collection method: clinical testing. Allele origin: germline.

Sema4
Classification: Uncertain significance for Hereditary cancer-predisposing syndrome. Last evaluated: 2021-07-28. Review status: criteria provided, single submitter. Criteria: Sema4 Curation Guidelines. Collection method: curation. Allele origin: germline.
Comment: The DICER1 c.248A>G (p.Y83C) variant has not been reported in the literature to our knowledge. It was observed in 2/24972 chromosomes in the African/African American subpopulation in the large and broad cohorts of the Genome Aggregation Database (PMID: 32461654). The variant has been reported in ClinVar (Variation ID: 242064). Functional studies have not been performed, and in silico predictions of the variant's effect on protein function are inconclusive. The evidence is insufficient to meet ACMG/AMP criteria for classifying the variant as benign or pathogenic. Thus, the clinical significance of this variant is currently uncertain.